The following is an entry in ClinVar:

ClinVar aggregate classification (germline): Likely pathogenic (1 of 4 stars; one submission).

Submission:

Labcorp Genetics (formerly Invitae), Labcorp
Classification: Likely pathogenic. Last evaluated: 2021-08-07. Review status: criteria provided, single submitter. Criteria: Invitae Variant Classification Sherloc (09022015). Collection method: clinical testing. Allele origin: germline.
Comment: In summary, the currently available evidence indicates that the variant is pathogenic, but additional data are needed to prove that conclusively. Therefore, this variant has been classified as Likely Pathogenic. Algorithms developed to predict the effect of sequence changes on RNA splicing suggest that this variant may disrupt the consensus splice site. This variant has not been reported in the literature in individuals affected with GLE1-related conditions. This variant is not present in population databases (ExAC no frequency). This sequence change affects a donor splice site in intron 13 of the GLE1 gene. It is expected to disrupt RNA splicing. Variants that disrupt the donor or acceptor splice site typically lead to a loss of protein function (PMID: 16199547), and loss-of-function variants in GLE1 are known to be pathogenic (PMID: 18204449, 24243016, 27684565).

Literature cited by the submitters: PubMed 16199547; PubMed 18204449; PubMed 24243016; PubMed 27684565.

NM_001003722.2(GLE1):c.1881+2T>C

Genes: GLE1 (GLE1 RNA export mediator; plus strand), LOC101929270 (uncharacterized LOC101929270; minus strand). Cytogenetic location: 9q34.11.
Variant type: single nucleotide variant.
Coding change: c.1881+2T>C on transcript NM_001003722.2 (MANE Select); the canonical splice donor site of the intron after coding-DNA position 1881, T replaced by C.
Molecular consequence: splice donor variant.
Genome position (GRCh38, 1-based): chr9:128,538,092, T>C. VCF-style: chr9-128538092-T-C. GRCh37 (hg19) VCF-style: chr9-131300371-T-C.
Other names: c.1881+2T>C (NM_001499.2); c.1908+2T>C (NM_001411013.1).
Identifiers: ClinVar variation 1480723 (VCV001480723.6), dbSNP rs2132531999, ClinGen allele CA375045424.